The following is an entry in ClinVar:

NM_006031.6(PCNT):c.4585-10G>A

Gene: PCNT (pericentrin; plus strand). Cytogenetic location: 21q22.3.
Variant type: single nucleotide variant.
Coding change: c.4585-10G>A on transcript NM_006031.6 (MANE Select); 10 bases into the intron before coding-DNA position 4585, G replaced by A.
Molecular consequence: intron variant.
Genome position (GRCh38, 1-based): chr21:46,399,580, G>A. VCF-style: chr21-46399580-G-A. GRCh37 (hg19) VCF-style: chr21-47819494-G-A.
Other names: c.4585-10G>A (NM_006031.5); c.4231-10G>A (NM_001315529.2).
Identifiers: ClinVar variation 2874499 (VCV002874499.5), dbSNP rs530752009, ClinGen allele CA10079733.

ClinVar aggregate classification (germline): Likely benign. Review status: criteria provided, multiple submitters, no conflicts (2 of 4 stars). 3 submissions from 3 submitters: Likely benign (2). 1 of the submissions does not count toward it. Last evaluated 2023-09-15.

Conditions:
PCNT-related disorder. Also called: PCNT-related condition.

gnomAD v4.1: 5 of 1,594,076 alleles (0.00031%); highest among the groups gnomAD compares: Admixed American, 0.0033%; 1 homozygote.

Submissions (3):

Labcorp Genetics (formerly Invitae), Labcorp
Classification: Likely benign. Last evaluated: 2023-09-15. Review status: criteria provided, single submitter. Criteria: Invitae Variant Classification Sherloc (09022015). Collection method: clinical testing. Allele origin: germline.

Blueprint Genetics
Classification: Likely benign. Last evaluated: 2021-06-02. Review status: criteria provided, single submitter. Criteria: ACMG Guidelines, 2015. Collection method: clinical testing. Allele origin: germline.

PreventionGenetics, part of Exact Sciences
Classification: Likely benign for PCNT-related condition. Last evaluated: 2022-09-26. Review status: no assertion criteria provided. Collection method: clinical testing. Allele origin: germline. Not counted in ClinVar's aggregate classification.
Comment: This variant is classified as likely benign based on ACMG/AMP sequence variant interpretation guidelines (Richards et al. 2015 PMID: 25741868, with internal and published modifications).